The following is an entry in ClinVar:

ClinVar aggregate classification (germline): Uncertain significance. Review status: criteria provided, multiple submitters, no conflicts (2 of 4 stars). 3 submissions from 3 submitters: Uncertain significance (2). 1 of the submissions does not count toward it. Last evaluated 2025-02-07.

Conditions:
SCLT1-related disorder. Also called: SCLT1-related condition.

Allele frequency attached by ClinVar (database versions not stated): gnomAD 0.00001.
gnomAD v4.1: 3 of 1,567,806 alleles (0.00019%); highest among the groups gnomAD compares: Non-Finnish European, 0.00026%; no homozygotes.

Submissions (3):

Ambry Genetics
Classification: Uncertain significance. Last evaluated: 2025-02-07. Review status: criteria provided, single submitter. Criteria: Ambry Variant Classification Scheme 2023. Collection method: clinical testing. Allele origin: germline.

Labcorp Genetics (formerly Invitae), Labcorp
Classification: Uncertain significance. Last evaluated: 2022-02-20. Review status: criteria provided, single submitter. Criteria: Invitae Variant Classification Sherloc (09022015). Collection method: clinical testing. Allele origin: germline.
Comment: This sequence change replaces glycine, which is neutral and non-polar, with alanine, which is neutral and non-polar, at codon 40 of the SCLT1 protein (p.Gly40Ala). This variant is not present in population databases (gnomAD no frequency). In summary, the available evidence is currently insufficient to determine the role of this variant in disease. Therefore, it has been classified as a Variant of Uncertain Significance. Algorithms developed to predict the effect of missense changes on protein structure and function (SIFT, PolyPhen-2, Align-GVGD) all suggest that this variant is likely to be tolerated. This variant has not been reported in the literature in individuals affected with SCLT1-related conditions.

PreventionGenetics, part of Exact Sciences
Classification: Uncertain significance for SCLT1-related condition. Last evaluated: 2024-08-13. Review status: no assertion criteria provided. Collection method: clinical testing. Allele origin: germline. Not counted in ClinVar's aggregate classification.
Comment: The SCLT1 c.119G>C variant is predicted to result in the amino acid substitution p.Gly40Ala. To our knowledge, this variant has not been reported in the literature or in a large population database, indicating this variant is rare. At this time, the clinical significance of this variant is uncertain due to the absence of conclusive functional and genetic evidence.

NM_144643.4(SCLT1):c.119G>C (p.Gly40Ala)

Gene: SCLT1 (sodium channel and clathrin linker 1; minus strand). Cytogenetic location: 4q28.2.
Variant type: single nucleotide variant.
Coding change: c.119G>C on transcript NM_144643.4 (MANE Select); coding-DNA position 119, G replaced by C.
Protein change: p.Gly40Ala; replaces glycine 40 with alanine.
Molecular consequence: missense variant.
Genome position (GRCh38, 1-based): chr4:129,044,035, C>G on the plus strand (G>C on the coding strand, the complement: SCLT1 is on the minus strand). VCF-style: chr4-129044035-C-G. GRCh37 (hg19) VCF-style: chr4-129965190-C-G.
Other names: c.119G>C, p.Gly40Ala (NM_001300897.2, NM_001300898.2, NM_001410807.1); c.119G>C (NM_144643.3, NM_144643.2); short protein forms G40A.
Identifiers: ClinVar variation 1914186 (VCV001914186.7), dbSNP rs1259608509, ClinGen allele CA358187922.